The following is an entry in ClinVar:

ClinVar aggregate classification (germline): Benign/Likely benign. Review status: criteria provided, multiple submitters, no conflicts (2 of 4 stars). 11 submissions from 11 submitters: Benign (7); Likely benign (1). 3 of the submissions do not count toward it. Last evaluated 2026-08-01.

Conditions:
Polycystic kidney disease, adult type (PKD1). Also called: POLYCYSTIC KIDNEY DISEASE, ADULT, TYPE I; Polycystic Kidney, Autosomal Dominant; Polycystic Kidney Disease 1, Autosomal Dominant; Polycystic kidney disease 1; Polycystic kidney disease 1, severe; POLYCYSTIC KIDNEY DISEASE 1 WITH OR WITHOUT POLYCYSTIC LIVER DISEASE. Identifiers: MedGen C3149841, MONDO:0008263, OMIM 173900.
Polycystic kidney disease. Also called: Kidney, Polycystic; Polycystic kidney dysplasia. Identifiers: MedGen C0022680, MeSH D007690, MONDO:0020642, HP:0000113.

Allele frequency attached by ClinVar (database versions not stated): gnomAD 0.00559 and 0.00641; TOPMed 0.00559; ESP Exome Variant Server 0.00682; 1000 Genomes Project 30x 0.00796; 1000 Genomes Project 0.00938; gnomAD exomes 0.01013; ExAC 0.01208.

Submissions (11):

CeGaT Center for Human Genetics Tuebingen
Classification: Benign. Last evaluated: 2026-08-01. Review status: criteria provided, single submitter. Criteria: CeGaT Center For Human Genetics Tuebingen Variant Classification Criteria Version 2. Collection method: clinical testing. Allele origin: germline. Affected: yes. Observed: 8 variant alleles.
Comment: PKD1: BP4, BS1, BS2

Women's Health and Genetics/Laboratory Corporation of America, LabCorp
Classification: Benign. Last evaluated: 2025-04-25. Review status: criteria provided, single submitter. Criteria: LabCorp Variant Classification Summary - May 2015. Collection method: clinical testing. Allele origin: germline.

Blueprint Genetics
Classification: Benign. Last evaluated: 2024-11-22. Review status: criteria provided, single submitter. Criteria: ACMG Guidelines, 2015. Collection method: clinical testing. Allele origin: germline.

Mayo Clinic Laboratories, Mayo Clinic
Classification: Benign. Last evaluated: 2023-10-04. Review status: criteria provided, single submitter. Criteria: ACMG Guidelines, 2015. Collection method: clinical testing. Allele origin: germline. Observed: 6 variant alleles.
Comment: BS1, BS2

GeneDx
Classification: Benign. Last evaluated: 2020-11-27. Review status: criteria provided, single submitter. Criteria: GeneDx Variant Classification Process June 2021. Collection method: clinical testing. Allele origin: germline. Affected: yes.
Comment: This variant is associated with the following publications: (PMID: 19686598, 31384335, 10862097)

Mendelics
Classification: Benign for Polycystic kidney disease, adult type. Last evaluated: 2019-05-28. Review status: criteria provided, single submitter. Criteria: Mendelics Assertion Criteria 2017. Collection method: clinical testing. Allele origin: unknown.

Athena Diagnostics
Classification: Benign. Last evaluated: 2017-10-11. Review status: criteria provided, single submitter. Criteria: Athena Diagnostics Criteria. Collection method: clinical testing. Allele origin: germline.

PreventionGenetics, part of Exact Sciences
Classification: Likely benign. Review status: criteria provided, single submitter. Criteria: ACMG Guidelines, 2015. Collection method: clinical testing. Allele origin: germline.

Department of Pathology and Laboratory Medicine, Sinai Health System
Classification: Benign for Polycystic Kidney disease. Review status: no assertion criteria provided. Collection method: clinical testing. Allele origin: unknown. Affected: yes. Study: The Canadian Open Genetics Repository (COGR). Not counted in ClinVar's aggregate classification.
Comment: The PKD1 c.11537+3_11537+5dup variant was identified in 9 of 464 proband chromosomes (frequency: 0.02) from individuals or families with ADPKD, and was not identified in 500 control chromosomes from healthy individuals (Stekrova 2009, Bataille 2011, Reed 2008, Rossetti 2002, Vouk 2006,). The variant was also identified in dbSNP (ID: rs201204878) and ADPKD Mutation Database (classified as likely neutral).This variant was identified in the 1000 Genomes Project in 47 of 5000 chromosomes (frequency: 0.009), NHLBI GO Exome Sequencing Project in 72 of 8226 European American and in 13 of 4246 African American alleles. The variant was also identified in Exome Aggregation Consortium database (March 14, 2016) in 1188 (22 homozygous) of 98342 chromosomes (freq. 0.012) in the following populations: European in 606 of 54618 chromosomes (freq. 0.01), South Asian in 448 of 14506 chromosomes (freq. 0.03), Latino in 76 of 9570 chromosomes (freq. 0.008), Finnish in 32 of 4286 chromosomes (freq. 0.007), African in 10 of 7240 chromosomes (freq. 0.001), East Asian in 1 of 7496 chromosomes (freq. 0.0001) and Other in 15 of 626 chromosomes (freq. 0.02), increasing the likelihood this could be a low frequency benign variant. In addition, the variant was identified with a co-occurring pathogenic PKD1 variant in our lab (p.Ala3571_Val3572del), increasing the likelihood that the c.11537+3_11537+5dup variant does not have clinical significance. The c.11537+3_11537+5dup variant is located in the 5' splice region but does not affect the invariant +1 and +2 positions. However, positions +3 to +6 are part of the splicing consensus sequence and variants involving these positions sometimes affect splicing. In addition, 1 of 5 in silico or computational prediction software programs (SpliceSiteFinder, MaxEntScan, NNSPLICE, GeneSplicer, HumanSpliceFinder) predict a greater than 10% difference in splicing; this information is not predictive enough to assume pathogenicity. Population study by Vouk (2006) suggests the variant possibly influences splicing of intron 41, however segregation analysis was not performed due to lack of samples from the family. The case study of the family without history of PKD by Reed (2008) predicted poor match between the variant sequence and consensus splice site with evidence for anticipation, considered to be weak. One population study classified the variant as likely silent (Stekrova 2009) while two other population studies classified the variant as polymorphism (Bataille 2011, Rossetti 2002). In summary, based on the above information, this variant meets our laboratory criteria to be classified as benign.

Genome Diagnostics Laboratory, University Medical Center Utrecht
Classification: Benign. Review status: no assertion criteria provided. Collection method: clinical testing. Allele origin: germline. Affected: yes. Study: VKGL Data-share Consensus. Not counted in ClinVar's aggregate classification.

Laboratory of Diagnostic Genome Analysis, Leiden University Medical Center (LUMC)
Classification: Likely benign. Review status: no assertion criteria provided. Collection method: clinical testing. Allele origin: germline. Affected: yes. Study: VKGL Data-share Consensus. Not counted in ClinVar's aggregate classification.

Literature cited by the submitters: PubMed 10862097 (cited by Mayo Clinic Laboratories, Mayo Clinic and Athena Diagnostics); PubMed 11967008 (cited by Mayo Clinic Laboratories, Mayo Clinic); PubMed 16430766 (cited by Mayo Clinic Laboratories, Mayo Clinic); PubMed 17574468 (cited by Mayo Clinic Laboratories, Mayo Clinic); PubMed 18640754 (cited by Mayo Clinic Laboratories, Mayo Clinic); PubMed 19686598 (cited by Mayo Clinic Laboratories, Mayo Clinic); PubMed 22008521 (cited by Mayo Clinic Laboratories, Mayo Clinic); PubMed 31384335 (cited by Mayo Clinic Laboratories, Mayo Clinic).

NM_001009944.3(PKD1):c.11537+3_11537+5dup

Genes: PKD1 (polycystin 1, transient receptor potential channel interacting; minus strand), PKD1-AS1 (PKD1 antisense RNA 1; plus strand). Cytogenetic location: 16p13.3.
Variant type: Duplication.
Coding change: c.11537+3_11537+5dup on transcript NM_001009944.3 (MANE Select); bases 3 to 5 of the intron after coding-DNA position 11537, 3 bases duplicated (GGG; older notation c.11537+3_11537+5dupGGG).
Genome position (GRCh38, 1-based): chr16:2,091,776-2,091,778, CCC duplicated on the plus strand (GGG on the coding strand, the reverse complement: PKD1 is on the minus strand). VCF-style (leftmost placement, unchanged base first): chr16-2091775-T-TCCC. GRCh37 (hg19) VCF-style: chr16-2141776-T-TCCC.
Other names: p.?; c.11534+3_11534+5dup (NM_000296.4); c.11537+3_11537+5dupGGG (NM_001009944.3).
Identifiers: ClinVar variation 256903 (VCV000256903.39), dbSNP rs201204878, ClinGen allele CA7829084.
Genomic context (GRCh38, chr16:2,091,775, plus strand): 5'-AGTGAGGGTGGGCTCCTGGCTGGTGACTGCGGCCACCCCGGAGAGGGCAGGGGAGGGAGC[T>TCCC]CCCACCTGTTGTCCAGCCAGTTGTGCAGCTGCAGGAAGCGCAGCCGGTCGCGGCTCTCCT-3'